The following is an entry in ClinVar:

NM_002334.4(LRP4):c.1087G>A (p.Gly363Ser)

Gene: LRP4 (LDL receptor related protein 4; minus strand). Cytogenetic location: 11p11.2.
Variant type: single nucleotide variant.
Coding change: c.1087G>A on transcript NM_002334.4 (MANE Select); coding-DNA position 1087, G replaced by A.
Protein change: p.Gly363Ser; replaces glycine 363 with serine.
Molecular consequence: missense variant.
Genome position (GRCh38, 1-based): chr11:46,895,980, C>T on the plus strand (G>A on the coding strand, the complement: LRP4 is on the minus strand). VCF-style: chr11-46895980-C-T. GRCh37 (hg19) VCF-style: chr11-46917531-C-T.
Other names: short protein forms G363S.
Identifiers: ClinVar variation 1481453 (VCV001481453.7), dbSNP rs765602909, ClinGen allele CA5970264.

ClinVar aggregate classification (germline): Uncertain significance. Review status: criteria provided, multiple submitters, no conflicts (2 of 4 stars). 3 submissions from 3 submitters: Uncertain significance (3). Last evaluated 2022-02-11.

Conditions:
Sclerosteosis 2 (SOST2). Identifiers: Orphanet 3152, MedGen C3280402, MONDO:0013679, OMIM 614305.
Cenani-Lenz syndactyly syndrome. Also called: SYNDACTYLY, TYPE VII; CENANI SYNDACTYLISM. Identifiers: Orphanet 3258, MedGen C1859309, MONDO:0008931, OMIM 212780.
Congenital myasthenic syndrome 17. Identifiers: Orphanet 590, MedGen C4225377, MONDO:0014578, OMIM 616304.

Allele frequency attached by ClinVar (database versions not stated): TOPMed 0.00003; gnomAD 0.00004 and 0.00005; gnomAD exomes 0.00004 and 0.00009; ExAC 0.00006.
gnomAD v4.1: 146 of 1,614,050 alleles (0.009%); highest among the groups gnomAD compares: Non-Finnish European, 0.011%; no homozygotes.

Submissions (3):

Fulgent Genetics
Classification: Uncertain significance for Cenani-Lenz syndactyly syndrome; Sclerosteosis 2; Congenital myasthenic syndrome 17. Last evaluated: 2022-02-11. Review status: criteria provided, single submitter. Criteria: ACMG Guidelines, 2015. Collection method: clinical testing. Allele origin: unknown.

Labcorp Genetics (formerly Invitae), Labcorp
Classification: Uncertain significance for Cenani-Lenz syndactyly syndrome; Sclerosteosis 2; Congenital myasthenic syndrome 17. Last evaluated: 2021-12-19. Review status: criteria provided, single submitter. Criteria: Invitae Variant Classification Sherloc (09022015). Collection method: clinical testing. Allele origin: germline.
Comment: This sequence change replaces glycine, which is neutral and non-polar, with serine, which is neutral and polar, at codon 363 of the LRP4 protein (p.Gly363Ser). This variant is present in population databases (rs765602909, gnomAD 0.01%). This variant has not been reported in the literature in individuals affected with LRP4-related conditions. Algorithms developed to predict the effect of missense changes on protein structure and function are either unavailable or do not agree on the potential impact of this missense change (SIFT: "Deleterious"; PolyPhen-2: "Benign"; Align-GVGD: "Class C0"). Algorithms developed to predict the effect of sequence changes on RNA splicing suggest that this variant may create or strengthen a splice site. In summary, the available evidence is currently insufficient to determine the role of this variant in disease. Therefore, it has been classified as a Variant of Uncertain Significance.

Breakthrough Genomics
Classification: Uncertain significance. Review status: criteria provided, single submitter. Criteria: ACMG Guidelines, 2015. Collection method: not provided. Allele origin: germline. Inheritance: Autosomal recessive inheritance. Affected: yes.